The following is an entry in ClinVar:

NM_002691.4(POLD1):c.2464_2465del (p.Asp822fs)

Gene: POLD1 (DNA polymerase delta 1, catalytic subunit; plus strand). Cytogenetic location: 19q13.33.
Variant type: Deletion.
Coding change: c.2464_2465del on transcript NM_002691.4 (MANE Select); coding-DNA positions 2464 to 2465, 2 bases deleted (GA; older notation c.2464_2465delGA).
Protein change: p.Asp822fs; shifts the reading frame from aspartic acid 822.
Molecular consequence: frameshift variant. On other transcripts: non-coding transcript variant (1).
Genome position (GRCh38, 1-based): chr19:50,414,890-50,414,891, GA deleted. VCF-style (leftmost placement, unchanged base first): chr19-50414889-CGA-C. GRCh37 (hg19) VCF-style: chr19-50918146-CGA-C.
Other names: c.2464_2465del, p.Asp822fs (NM_001256849.1); c.2542_2543del, p.Asp848fs (NM_001308632.1); short protein forms D822fs, D848fs.
Identifiers: ClinVar variation 821321 (VCV000821321.4), dbSNP rs1601241150, ClinGen allele CA915951886.

ClinVar aggregate classification (germline): Uncertain significance (1 of 4 stars; one submission).

Conditions:
Hereditary cancer-predisposing syndrome. Also called: Neoplastic Syndromes, Hereditary; Tumor predisposition; Hereditary Cancer Syndrome; Hereditary neoplastic syndrome. Identifiers: Orphanet 140162, MedGen C0027672, MeSH D009386, MONDO:0015356.

Submission:

Ambry Genetics
Classification: Uncertain significance for Hereditary cancer-predisposing syndrome. Last evaluated: 2019-11-22. Review status: criteria provided, single submitter. Criteria: Ambry Variant Classification Scheme 2023. Collection method: clinical testing. Allele origin: germline.
Comment: The c.2464_2465delGA variant, located in coding exon 19 of the POLD1 gene, results from a deletion of two nucleotides at nucleotide positions 2464 to 2465, causing a translational frameshift with a predicted alternate stop codon (p.D822Pfs*36). This alteration is expected to result in loss of function by premature protein truncation or nonsense-mediated mRNA decay. However, loss of function of POLD1 has not been clearly established as a mechanism of disease. Since supporting evidence is limited at this time, the clinical significance of this alteration remains unclear.